The following is an entry in ClinVar:

NM_000038.6(APC):c.4767T>G (p.Arg1589=)

Gene: APC (APC regulator of Wnt signaling pathway; plus strand). Cytogenetic location: 5q22.2.
Variant type: single nucleotide variant.
Coding change: c.4767T>G on transcript NM_000038.6 (MANE Select); coding-DNA position 4767, T replaced by G.
Protein change: p.Arg1589=; no amino-acid change (arginine 1589 retained).
Molecular consequence: synonymous variant.
Genome position (GRCh38, 1-based): chr5:112,840,361, T>G. VCF-style: chr5-112840361-T-G. GRCh37 (hg19) VCF-style: chr5-112176058-T-G.
Other names: c.4767T>G, p.Arg1589= (NM_001127510.3, NM_001354895.2); c.4713T>G, p.Arg1571= (NM_001127511.3); c.4821T>G, p.Arg1607= (NM_001354896.2); c.4797T>G, p.Arg1599= (NM_001354897.2); c.4692T>G, p.Arg1564= (NM_001354898.2); c.4683T>G, p.Arg1561= (NM_001354899.2); c.4644T>G, p.Arg1548= (NM_001354900.2); c.4590T>G, p.Arg1530= (NM_001354901.2); and 6 more.
Identifiers: ClinVar variation 1667370 (VCV001667370.10), dbSNP rs181255489, ClinGen allele CA446206723.

ClinVar aggregate classification (germline): Benign/Likely benign. Review status: criteria provided, multiple submitters, no conflicts (2 of 4 stars). 3 submissions from 3 submitters: Benign (1); Likely benign (2). Last evaluated 2025-11-25.

Conditions:
Hereditary cancer-predisposing syndrome. Also called: Hereditary neoplastic syndrome; Neoplastic Syndromes, Hereditary; Tumor predisposition; Hereditary Cancer Syndrome. Identifiers: Orphanet 140162, MedGen C0027672, MeSH D009386, MONDO:0015356.
Familial adenomatous polyposis 1 (FAP1). Also called: FAMILIAL ADENOMATOUS POLYPOSIS 1, ATTENUATED; POLYPOSIS, ADENOMATOUS INTESTINAL. Identifiers: MedGen C2713442, MONDO:0021056, OMIM 175100. Disease mechanism: loss of function.

Submissions (3):

Labcorp Genetics (formerly Invitae), Labcorp
Classification: Likely benign for Familial adenomatous polyposis 1. Last evaluated: 2025-11-25. Review status: criteria provided, single submitter. Criteria: Invitae Variant Classification Sherloc (09022015). Collection method: clinical testing. Allele origin: germline.

Ambry Genetics
Classification: Likely benign for Hereditary cancer-predisposing syndrome. Last evaluated: 2025-03-15. Review status: criteria provided, single submitter. Criteria: Ambry Variant Classification Scheme 2023. Collection method: clinical testing. Allele origin: germline.

Myriad Genetics, Inc.
Classification: Benign for Familial adenomatous polyposis 1. Last evaluated: 2024-03-27. Review status: criteria provided, single submitter. Criteria: Myriad Autosomal Dominant, Autosomal Recessive and X-Linked Classification Criteria (2023). Collection method: clinical testing. Allele origin: unknown.
Comment: This variant is considered benign. This variant is a silent/synonymous amino acid change and it is not expected to impact splicing.